The following is an entry in ClinVar:

NM_000751.3(CHRND):c.1442T>C (p.Met481Thr)

Gene: CHRND (cholinergic receptor nicotinic delta subunit; plus strand). Cytogenetic location: 2q37.1.
Variant type: single nucleotide variant.
Coding change: c.1442T>C on transcript NM_000751.3 (MANE Select); coding-DNA position 1442, T replaced by C.
Protein change: p.Met481Thr; replaces methionine 481 with threonine.
Molecular consequence: missense variant.
Genome position (GRCh38, 1-based): chr2:232,535,200, T>C. VCF-style: chr2-232535200-T-C. GRCh37 (hg19) VCF-style: chr2-233399910-T-C.
Other names: c.1442T>C (NM_000751.1); c.1397T>C, p.Met466Thr (NM_001256657.2); c.860T>C, p.Met287Thr (NM_001311195.2); c.1139T>C, p.Met380Thr (NM_001311196.2); short protein forms M380T, M466T, M287T, M481T.
Identifiers: ClinVar variation 842918 (VCV000842918.10), dbSNP rs777430398, ClinGen allele CA2168363.
Genomic context (GRCh38, chr2:232,535,200, plus strand): 5'-GCTGGAACCGAGTGGCCCGCACAGTGGACCGCCTCTGCCTGTTTGTGGTGACGCCTGTCA[T>C]GGTGGTGGGCACAGCCTGGATCTTCCTGCAGGGCGTTTACAACCAGCCACCACCCCAGCC-3'
Protein context (NP_000742.1, residues 471-491): RLCLFVVTPV[Met481Thr]VVGTAWIFLQ

ClinVar aggregate classification (germline): Uncertain significance. Review status: criteria provided, multiple submitters, no conflicts (2 of 4 stars). 2 submissions from 2 submitters: Uncertain significance (2). Last evaluated 2025-07-10.

Conditions:
Lethal multiple pterygium syndrome (LMPS). Identifiers: Orphanet 33108, MedGen C1854678, MONDO:0009668, OMIM 253290.
Inborn genetic diseases. Identifiers: MedGen C0950123, MeSH D030342.

Allele frequency attached by ClinVar (database versions not stated): gnomAD exomes 0.00002 and 0.00004; gnomAD 0.00004 and 0.00005; TOPMed 0.00004; ExAC 0.00005.

Submissions (2):

Labcorp Genetics (formerly Invitae), Labcorp
Classification: Uncertain significance for Lethal multiple pterygium syndrome. Last evaluated: 2025-07-10. Review status: criteria provided, single submitter. Criteria: Invitae Variant Classification Sherloc (09022015). Collection method: clinical testing. Allele origin: germline.
Comment: This sequence change replaces methionine, which is neutral and non-polar, with threonine, which is neutral and polar, at codon 481 of the CHRND protein (p.Met481Thr). This variant is present in population databases (rs777430398, gnomAD 0.006%). This variant has not been reported in the literature in individuals affected with CHRND-related conditions. ClinVar contains an entry for this variant (Variation ID: 842918). Invitae Evidence Modeling of protein sequence and biophysical properties (such as structural, functional, and spatial information, amino acid conservation, physicochemical variation, residue mobility, and thermodynamic stability) indicates that this missense variant is not expected to disrupt CHRND protein function with a negative predictive value of 95%. In summary, the available evidence is currently insufficient to determine the role of this variant in disease. Therefore, it has been classified as a Variant of Uncertain Significance.

Ambry Genetics
Classification: Uncertain significance for Inborn genetic diseases. Last evaluated: 2024-12-12. Review status: criteria provided, single submitter. Criteria: Ambry Variant Classification Scheme 2023. Collection method: clinical testing. Allele origin: germline.